The following is an entry in ClinVar:

ClinVar aggregate classification (germline): Uncertain significance (1 of 4 stars; one submission).

Conditions:
Intellectual developmental disorder, X-linked 46. Also called: Intellectual disability, X-linked 46. Identifiers: Orphanet 777, MedGen C1845526, MONDO:0010326, OMIM 300436.

Submission:

Baylor Genetics
Classification: Uncertain significance for Intellectual developmental disorder, X-linked 46. Last evaluated: 2020-10-01. Review status: criteria provided, single submitter. Criteria: ACMG Guidelines, 2015. Collection method: clinical testing. Allele origin: unknown. Affected: yes.
Comment: This variant was determined to be of uncertain significance according to ACMG Guidelines, 2015 [PMID:25741868].

NM_004840.3(ARHGEF6):c.1769G>A (p.Ser590Asn)

Gene: ARHGEF6 (Rac/Cdc42 guanine nucleotide exchange factor 6; minus strand). Cytogenetic location: Xq26.3.
Variant type: single nucleotide variant.
Coding change: c.1769G>A on transcript NM_004840.3 (MANE Select); coding-DNA position 1769, G replaced by A.
Protein change: p.Ser590Asn; replaces serine 590 with asparagine.
Molecular consequence: missense variant.
Genome position (GRCh38, 1-based): chrX:136,679,596, C>T on the plus strand (G>A on the coding strand, the complement: ARHGEF6 is on the minus strand). VCF-style: chrX-136679596-C-T. GRCh37 (hg19) VCF-style: chrX-135761755-C-T.
Other names: c.1307G>A, p.Ser436Asn (NM_001306177.2); short protein forms S436N, S590N.
Identifiers: ClinVar variation 1028304 (VCV001028304.1), dbSNP rs2076312974, ClinGen allele CA414759927.